The following is an entry in ClinVar:

ClinVar aggregate classification (germline): Uncertain significance (1 of 4 stars; one submission).

gnomAD v4.1: 2 of 1,613,954 alleles (0.00012%); highest among the groups gnomAD compares: Non-Finnish European, 0.00017%; no homozygotes.

Submission:

Labcorp Genetics (formerly Invitae), Labcorp
Classification: Uncertain significance. Last evaluated: 2025-03-24. Review status: criteria provided, single submitter. Criteria: Invitae Variant Classification Sherloc (09022015). Collection method: clinical testing. Allele origin: germline.
Comment: This sequence change replaces leucine, which is neutral and non-polar, with phenylalanine, which is neutral and non-polar, at codon 379 of the LYN protein (p.Leu379Phe). This variant is not present in population databases (gnomAD no frequency). This variant has not been reported in the literature in individuals affected with LYN-related conditions. An algorithm developed to predict the effect of missense changes on protein structure and function (PolyPhen-2) suggests that this variant is likely to be disruptive. In summary, the available evidence is currently insufficient to determine the role of this variant in disease. Therefore, it has been classified as a Variant of Uncertain Significance.

NM_002350.4(LYN):c.1135C>T (p.Leu379Phe)

Gene: LYN (LYN proto-oncogene, Src family tyrosine kinase; plus strand). Cytogenetic location: 8q12.1.
Variant type: single nucleotide variant.
Coding change: c.1135C>T on transcript NM_002350.4 (MANE Select); coding-DNA position 1135, C replaced by T.
Protein change: p.Leu379Phe; replaces leucine 379 with phenylalanine.
Molecular consequence: missense variant.
Genome position (GRCh38, 1-based): chr8:55,998,430, C>T. VCF-style: chr8-55998430-C-T. GRCh37 (hg19) VCF-style: chr8-56910989-C-T.
Other names: c.1072C>T, p.Leu358Phe (NM_001111097.3); short protein forms L358F, L379F.
Identifiers: ClinVar variation 4749835 (VCV004749835.1).